The following is an entry in ClinVar:

ClinVar aggregate classification (germline): Uncertain significance (0 of 4 stars; one submission).

Conditions:
GALM-related disorder. Also called: GALM-related condition.

gnomAD v4.1: 7 of 1,614,054 alleles (0.00043%); highest among the groups gnomAD compares: Non-Finnish European, 0.00059%; no homozygotes.

Submission:

PreventionGenetics, part of Exact Sciences
Classification: Uncertain significance for GALM-related condition. Last evaluated: 2024-05-26. Review status: no assertion criteria provided. Collection method: clinical testing. Allele origin: germline.
Comment: The GALM c.62A>G variant is predicted to result in the amino acid substitution p.Lys21Arg. To our knowledge, this variant has not been reported in the literature. This variant is reported in 0.00088% of alleles in individuals of European (Non-Finnish) descent in gnomAD. At this time, the clinical significance of this variant is uncertain due to the absence of conclusive functional and genetic evidence.

NM_138801.3(GALM):c.62A>G (p.Lys21Arg)

Gene: GALM (galactose mutarotase; plus strand). Cytogenetic location: 2p22.1.
Variant type: single nucleotide variant.
Coding change: c.62A>G on transcript NM_138801.3 (MANE Select); coding-DNA position 62, A replaced by G.
Protein change: p.Lys21Arg; replaces lysine 21 with arginine.
Molecular consequence: missense variant.
Genome position (GRCh38, 1-based): chr2:38,666,223, A>G. VCF-style: chr2-38666223-A-G. GRCh37 (hg19) VCF-style: chr2-38893365-A-G.
Other names: short protein forms K21R.
Identifiers: ClinVar variation 3346164 (VCV003346164.1).